The following is an entry in ClinVar:

NM_020745.4(AARS2):c.2205C>G (p.Asp735Glu)

Gene: AARS2 (alanyl-tRNA synthetase 2, mitochondrial; minus strand). Cytogenetic location: 6p21.1.
Variant type: single nucleotide variant.
Coding change: c.2205C>G on transcript NM_020745.4 (MANE Select); coding-DNA position 2205, C replaced by G.
Protein change: p.Asp735Glu; replaces aspartic acid 735 with glutamic acid.
Molecular consequence: missense variant.
Genome position (GRCh38, 1-based): chr6:44,303,116, G>C on the plus strand (C>G on the coding strand, the complement: AARS2 is on the minus strand). VCF-style: chr6-44303116-G-C. GRCh37 (hg19) VCF-style: chr6-44270853-G-C.
Other names: short protein forms D735E.
Identifiers: ClinVar variation 4219707 (VCV004219707.2).
Genomic context (GRCh38, chr6:44,303,116, plus strand): 5'-AGTGACTCACGTCCCACAGCATAGCTCCACAGAGGTCTGCAGTGCGGCTTGGGAGGCTGG[G>C]TCCAATGCATGGGCCACGGGCACCCCCACTGATACCACCCGCACAGGGTCTGGGTAAACC-3'
Protein context (NP_065796.2, residues 725-745): SVGVPVAHAL[Asp735Glu]PASQAALQTS

ClinVar aggregate classification (germline): Uncertain significance. Review status: criteria provided, multiple submitters, no conflicts (2 of 4 stars). 2 submissions from 2 submitters: Uncertain significance (2). Last evaluated 2026-03-22.

Conditions:
Inborn genetic diseases. Identifiers: MedGen C0950123, MeSH D030342.

gnomAD v4.1: 1 of 1,614,136 alleles (0.000062%); highest among the groups gnomAD compares: African/African-American, 0.0013%; no homozygotes.

Submissions (2):

GeneDx
Classification: Uncertain significance. Last evaluated: 2026-03-22. Review status: criteria provided, single submitter. Criteria: GeneDx Variant Classification Process June 2021. Collection method: clinical testing. Allele origin: germline.
Comment: Not observed at significant frequency in large population cohorts (gnomAD); In silico analysis suggests that this missense variant does not alter protein structure/function; Has not been previously published as pathogenic or benign to our knowledge

Ambry Genetics
Classification: Uncertain significance for Inborn genetic diseases. Last evaluated: 2025-08-02. Review status: criteria provided, single submitter. Criteria: Ambry Variant Classification Scheme 2023. Collection method: clinical testing. Allele origin: germline.